The following is an entry in ClinVar:

ClinVar aggregate classification (germline): Uncertain significance (1 of 4 stars; one submission).

gnomAD v4.1: 2 of 1,437,766 alleles (0.00014%); highest among the groups gnomAD compares: Non-Finnish European, 0.00019%; no homozygotes.

Submission:

GeneDx
Classification: Uncertain significance. Last evaluated: 2025-03-12. Review status: criteria provided, single submitter. Criteria: GeneDx Variant Classification Process June 2021. Collection method: clinical testing. Allele origin: germline. Affected: yes.
Comment: Not observed at significant frequency in large population cohorts (gnomAD); In silico analysis is inconclusive as to whether the variant alters gene splicing. In the absence of RNA/functional studies, the actual effect of this sequence change is unknown.; In silico analysis indicates that this missense variant does not alter protein structure/function; Has not been previously published as pathogenic or benign to our knowledge; Reported using an alternate transcript of the gene

NM_000238.4(KCNH2):c.2398+34T>A

Gene: KCNH2 (potassium voltage-gated channel subfamily H member 2; minus strand). Cytogenetic location: 7q36.1.
Variant type: single nucleotide variant.
Coding change: c.2398+34T>A on transcript NM_000238.4 (MANE Select); 34 bases into the intron after coding-DNA position 2398, T replaced by A.
Molecular consequence: intron variant. On other transcripts: missense variant (5).
Genome position (GRCh38, 1-based): chr7:150,950,134, A>T on the plus strand (T>A on the coding strand, the complement: KCNH2 is on the minus strand). VCF-style: chr7-150950134-A-T. GRCh37 (hg19) VCF-style: chr7-150647222-A-T.
Other names: c.1412T>A, p.Met471Lys (NM_001204798.2); c.2255T>A, p.Met752Lys (NM_001406755.1); c.2144T>A, p.Met715Lys (NM_001406756.1); c.2132T>A, p.Met711Lys (NM_001406757.1); c.2432T>A, p.Met811Lys (NM_172056.3); c.2110+34T>A (NM_001406753.1); c.1378+34T>A (NM_172057.3); short protein forms M471K, M711K, M715K, M752K, M811K.
Identifiers: ClinVar variation 4086599 (VCV004086599.1).
Genomic context (GRCh38, chr7:150,950,134, plus strand): 5'-GTCCACAGCCCCAGTGACTGCATATTCAGAAGGCTCGCACCTCTTGAGGCTGCAGAGGGC[A>T]TTTCCAGTCCAGTGCCCGCCCCCCACCCCATACCCAGGATGGCCACGACGACGTCGCCCC-3'